The following is an entry in ClinVar:

NM_001127222.2(CACNA1A):c.6481C>T (p.Arg2161Cys)

Gene: CACNA1A (calcium voltage-gated channel subunit alpha1 A; minus strand). Cytogenetic location: 19p13.13.
Variant type: single nucleotide variant.
Coding change: c.6481C>T on transcript NM_001127222.2 (MANE Select); coding-DNA position 6481, C replaced by T.
Protein change: p.Arg2161Cys; replaces arginine 2161 with cysteine.
Molecular consequence: missense variant.
Genome position (GRCh38, 1-based): chr19:13,209,357, G>A on the plus strand (C>T on the coding strand, the complement: CACNA1A is on the minus strand). VCF-style: chr19-13209357-G-A. GRCh37 (hg19) VCF-style: chr19-13320171-G-A.
Other names: c.6499C>T, p.Arg2167Cys (NM_000068.4, NM_023035.3); c.6484C>T, p.Arg2162Cys (NM_001127221.2); c.6490C>T, p.Arg2164Cys (NM_001174080.2); short protein forms R2161C, R2162C, R2164C, R2167C.
Identifiers: ClinVar variation 1405664 (VCV001405664.16), dbSNP rs1198604369, ClinGen allele CA404330797.

ClinVar aggregate classification (germline): Conflicting classifications of pathogenicity. Review status: criteria provided, conflicting classifications (1 of 4 stars). 4 submissions from 4 submitters: Uncertain significance (3); Likely benign (1). Last evaluated 2025-03-01.

Conditions:
Inborn genetic diseases. Identifiers: MedGen C0950123, MeSH D030342.
Developmental and epileptic encephalopathy, 42 (DEE42A). Also called: Epileptic encephalopathy, early infantile, 42; DEVELOPMENTAL AND EPILEPTIC ENCEPHALOPATHY 42A; EPILEPTIC ENCEPHALOPATHY, EARLY INFANTILE, 42A. Identifiers: MedGen C4310716, MONDO:0014917, OMIM 617106.
Episodic ataxia type 2 (EA2). Also called: ACETAZOLAMIDE-RESPONSIVE HEREDITARY PAROXYSMAL CEREBELLAR ATAXIA; ATAXIA, EPISODIC, WITH NYSTAGMUS; ATAXIA, FAMILIAL PAROXYSMAL; CEREBELLAR ATAXIA, PAROXYSMAL, ACETAZOLAMIDE-RESPONSIVE; CEREBELLOPATHY, HEREDITARY PAROXYSMAL; EPISODIC ATAXIA, NYSTAGMUS-ASSOCIATED. Identifiers: Orphanet 97, MedGen C1720416, MONDO:0007163, OMIM 108500.

Allele frequency attached by ClinVar (database versions not stated): TOPMed below 0.00001; gnomAD 0.00001.

Submissions (4):

CeGaT Center for Human Genetics Tuebingen
Classification: Uncertain significance. Last evaluated: 2025-03-01. Review status: criteria provided, single submitter. Criteria: CeGaT Center For Human Genetics Tuebingen Variant Classification Criteria Version 2. Collection method: clinical testing. Allele origin: germline. Affected: yes. Observed: 1 variant allele.
Comment: CACNA1A: PP3

Labcorp Genetics (formerly Invitae), Labcorp
Classification: Likely benign for Developmental and epileptic encephalopathy, 42; Episodic ataxia type 2. Last evaluated: 2024-10-26. Review status: criteria provided, single submitter. Criteria: Invitae Variant Classification Sherloc (09022015). Collection method: clinical testing. Allele origin: germline.

GeneDx
Classification: Uncertain significance. Last evaluated: 2024-07-23. Review status: criteria provided, single submitter. Criteria: GeneDx Variant Classification Process June 2021. Collection method: clinical testing. Allele origin: germline. Affected: yes.
Comment: Not observed at significant frequency in large population cohorts (gnomAD); In silico analysis supports that this missense variant has a deleterious effect on protein structure/function; Has not been previously published as pathogenic or benign to our knowledge

Ambry Genetics
Classification: Uncertain significance for Inborn genetic diseases. Last evaluated: 2020-07-09. Review status: criteria provided, single submitter. Criteria: Ambry Variant Classification Scheme 2023. Collection method: clinical testing. Allele origin: germline.
Comment: The p.R2162C variant (also known as c.6484C>T), located in coding exon 45 of the CACNA1A gene, results from a C to T substitution at nucleotide position 6484. The arginine at codon 2162 is replaced by cysteine, an amino acid with highly dissimilar properties. This amino acid position is highly conserved in available vertebrate species. In addition, the in silico prediction for this alteration is inconclusive. Since supporting evidence is limited at this time, the clinical significance of this alteration remains unclear.